The following is an entry in ClinVar:

NM_005585.5(SMAD6):c.656C>G (p.Pro219Arg)

Gene: SMAD6 (SMAD family member 6; plus strand). Cytogenetic location: 15q22.31.
Variant type: single nucleotide variant.
Coding change: c.656C>G on transcript NM_005585.5 (MANE Select); coding-DNA position 656, C replaced by G.
Protein change: p.Pro219Arg; replaces proline 219 with arginine.
Molecular consequence: missense variant. On other transcripts: non-coding transcript variant (1).
Genome position (GRCh38, 1-based): chr15:66,703,914, C>G. VCF-style: chr15-66703914-C-G. GRCh37 (hg19) VCF-style: chr15-66996252-C-G.
Other names: short protein forms P219R.
Identifiers: ClinVar variation 573082 (VCV000573082.8), dbSNP rs1567091826, ClinGen allele CA392949984.

ClinVar aggregate classification (germline): Uncertain significance (1 of 4 stars; one submission).

Conditions:
Aortic valve disease 2 (AOVD2). Identifiers: MedGen C3542024, MONDO:0013902, OMIM 614823.

Allele frequency attached by ClinVar (database versions not stated): gnomAD 0.00001.
gnomAD v4.1: 4 of 1,298,056 alleles (0.00031%); highest among the groups gnomAD compares: East Asian, 0.0032%; no homozygotes.

Submission:

Labcorp Genetics (formerly Invitae), Labcorp
Classification: Uncertain significance for Aortic valve disease 2. Last evaluated: 2018-02-19. Review status: criteria provided, single submitter. Criteria: Invitae Variant Classification Sherloc (09022015). Collection method: clinical testing. Allele origin: germline.
Comment: In summary, the available evidence is currently insufficient to determine the role of this variant in disease. Therefore, it has been classified as a Variant of Uncertain Significance. Algorithms developed to predict the effect of missense changes on protein structure and function (SIFT, PolyPhen-2, Align-GVGD) all suggest that this variant is likely to be tolerated, but these predictions have not been confirmed by published functional studies and their clinical significance is uncertain. This variant has not been reported in the literature in individuals with SMAD6-related disease. While this variant is not present in population databases, the frequency information is unreliable, as metrics indicate poor data quality at this position in the ExAC database. This sequence change replaces proline with arginine at codon 219 of the SMAD6 protein (p.Pro219Arg). The proline residue is moderately conserved and there is a moderate physicochemical difference between proline and arginine.